The following is an entry in ClinVar:

NC_000017.11:g.(?_31342999)_(31360713_?)del

Gene: NF1 (neurofibromin 1; plus strand). Cytogenetic location: 17q11.2.
Variant type: Deletion.
Identifiers: ClinVar variation 830957 (VCV000830957.3).

ClinVar aggregate classification (germline): Likely pathogenic (1 of 4 stars; one submission).

Conditions:
Neurofibromatosis, type 1 (NF1). Also called: Neurofibromatosis, type I; Peripheral type neurofibromatosis; VON RECKLINGHAUSEN DISEASE; NEUROFIBROMATOSIS, TYPE I, SOMATIC. Identifiers: Orphanet 636, MedGen C0027831, MONDO:0018975, OMIM 162200. Disease mechanism: loss of function.

Submission:

Labcorp Genetics (formerly Invitae), Labcorp
Classification: Likely pathogenic for Neurofibromatosis, type 1. Last evaluated: 2019-09-17. Review status: criteria provided, single submitter. Criteria: Invitae Variant Classification Sherloc (09022015). Collection method: clinical testing. Allele origin: germline.
Comment: In summary, the currently available evidence indicates that the variant is pathogenic, but additional data are needed to prove that conclusively. Therefore, this variant has been classified as Likely Pathogenic. This variant disrupts the p.Val2370 amino acid residue in NF1. Other variant(s) that disrupt this residue have been determined to be pathogenic (PMID: 23954459, Invitae). This suggests that this residue is clinically significant, and that variants that disrupt this residue are likely to be disease-causing. This variant has not been reported in the literature in individuals with NF1-related conditions. This variant is a sub-genic deletion of the genomic region encompassing exons 47-56 of the NF1 gene. While this deletion is not anticipated to result in nonsense mediated decay, it is expected to create a truncated protein product.

Literature cited by the submitters: PubMed 23954459.